The following is an entry in ClinVar:

NM_016239.4(MYO15A):c.965A>G (p.Tyr322Cys)

Gene: MYO15A (myosin XVA; plus strand). Cytogenetic location: 17p11.2.
Variant type: single nucleotide variant.
Coding change: c.965A>G on transcript NM_016239.4 (MANE Select); coding-DNA position 965, A replaced by G.
Protein change: p.Tyr322Cys; replaces tyrosine 322 with cysteine.
Molecular consequence: missense variant.
Genome position (GRCh38, 1-based): chr17:18,119,765, A>G. VCF-style: chr17-18119765-A-G. GRCh37 (hg19) VCF-style: chr17-18023079-A-G.
Other names: short protein forms Y322C.
Identifiers: ClinVar variation 3360473 (VCV003360473.1).
Genomic context (GRCh38, chr17:18,119,765, plus strand): 5'-GGTACACCTACGGCTACGGCTACGACGATTACGAACCCCCATATGCGCCCCCGTCGGGGT[A>G]CTCGTCTCCTTACAGCTACCACGATGGGTACGAGGGCGAGGCGCACCCTTATGGCTACTA-3'
Protein context (NP_057323.3, residues 312-332): YEPPYAPPSG[Tyr322Cys]SSPYSYHDGY

ClinVar aggregate classification (germline): Uncertain significance (1 of 4 stars; one submission).

Submission:

GeneDx
Classification: Uncertain significance. Last evaluated: 2023-07-11. Review status: criteria provided, single submitter. Criteria: GeneDx Variant Classification Process June 2021. Collection method: clinical testing. Allele origin: germline. Affected: yes.
Comment: Not observed at significant frequency in large population cohorts (gnomAD); In silico analysis supports that this missense variant has a deleterious effect on protein structure/function; Has not been previously published as pathogenic or benign to our knowledge